The following is an entry in ClinVar:

NM_015627.3(LDLRAP1):c.617-2A>G

Gene: LDLRAP1 (low density lipoprotein receptor adaptor protein 1; plus strand). Cytogenetic location: 1p36.11.
Variant type: single nucleotide variant.
Coding change: c.617-2A>G on transcript NM_015627.3 (MANE Select); the canonical splice acceptor site of the intron before coding-DNA position 617, A replaced by G.
Molecular consequence: splice acceptor variant.
Genome position (GRCh38, 1-based): chr1:25,563,659, A>G. VCF-style: chr1-25563659-A-G. GRCh37 (hg19) VCF-style: chr1-25890150-A-G.
Identifiers: ClinVar variation 2441153 (VCV002441153.6), dbSNP rs1294326404, ClinGen allele CA339074205.

ClinVar aggregate classification (germline): Likely pathogenic. Review status: criteria provided, multiple submitters, no conflicts (2 of 4 stars). 2 submissions from 2 submitters: Likely pathogenic (2). Last evaluated 2023-07-26.

Conditions:
Hypercholesterolemia, familial, 4 (FHCL4). Also called: HYPERCHOLESTEROLEMIA, AUTOSOMAL RECESSIVE, 1; HYPERCHOLESTEROLEMIA, AUTOSOMAL RECESSIVE, 2. Identifiers: Orphanet 391665, MedGen C1863512, MONDO:0011374, OMIM 603813.

gnomAD v4.1: 1 of 1,613,480 alleles (0.000062%); no homozygotes.

Submissions (2):

Labcorp Genetics (formerly Invitae), Labcorp
Classification: Likely pathogenic for Hypercholesterolemia, familial, 4. Last evaluated: 2023-07-26. Review status: criteria provided, single submitter. Criteria: Invitae Variant Classification Sherloc (09022015). Collection method: clinical testing. Allele origin: germline.
Comment: In summary, the currently available evidence indicates that the variant is pathogenic, but additional data are needed to prove that conclusively. Therefore, this variant has been classified as Likely Pathogenic. Algorithms developed to predict the effect of sequence changes on RNA splicing suggest that this variant may disrupt the consensus splice site. ClinVar contains an entry for this variant (Variation ID: 2441153). This variant has not been reported in the literature in individuals affected with LDLRAP1-related conditions. The frequency data for this variant in the population databases is considered unreliable, as metrics indicate poor data quality at this position in the gnomAD database. This sequence change affects an acceptor splice site in intron 6 of the LDLRAP1 gene. It is expected to disrupt RNA splicing. Variants that disrupt the donor or acceptor splice site typically lead to a loss of protein function (PMID: 16199547), and loss-of-function variants in LDLRAP1 are known to be pathogenic (PMID: 11326085, 12464675).

Revvity Omics, Revvity
Classification: Likely pathogenic for Hypercholesterolemia, familial, 4. Last evaluated: 2022-12-25. Review status: criteria provided, single submitter. Criteria: ACMG Guidelines, 2015. Collection method: clinical testing. Allele origin: germline.

Literature cited by the submitters: PubMed 16199547 (cited by Labcorp Genetics (formerly Invitae), Labcorp); PubMed 11326085 (cited by Labcorp Genetics (formerly Invitae), Labcorp); PubMed 12464675 (cited by Labcorp Genetics (formerly Invitae), Labcorp).